The following is an entry in ClinVar:

NM_206933.4(USH2A):c.14487del (p.Ser4830fs)

Gene: USH2A (usherin; minus strand). Cytogenetic location: 1q41.
Variant type: Deletion.
Coding change: c.14487del on transcript NM_206933.4 (MANE Select); coding-DNA position 14487, one base deleted (C; older notation c.14487delC).
Protein change: p.Ser4830fs; shifts the reading frame from serine 4830.
Molecular consequence: frameshift variant.
Genome position (GRCh38, 1-based): chr1:215,648,623, G deleted on the plus strand (C on the coding strand, the reverse complement: USH2A is on the minus strand); the first of 3 consecutive G bases (chr1:215,648,623-215,648,625); deleting any one gives the same sequence. VCF-style (leftmost placement, unchanged base first): chr1-215648622-AG-A. GRCh37 (hg19) VCF-style: chr1-215821964-AG-A.
Other names: short protein forms S4830fs.
Identifiers: ClinVar variation 1398837 (VCV001398837.6), dbSNP rs2102643165, ClinGen allele CA2573131553.

ClinVar aggregate classification (germline): Pathogenic (1 of 4 stars; one submission).

Submission:

Labcorp Genetics (formerly Invitae), Labcorp
Classification: Pathogenic. Last evaluated: 2020-10-30. Review status: criteria provided, single submitter. Criteria: Invitae Variant Classification Sherloc (09022015). Collection method: clinical testing. Allele origin: germline.
Comment: For these reasons, this variant has been classified as Pathogenic. This variant has not been reported in the literature in individuals with USH2A-related conditions. This variant is not present in population databases (ExAC no frequency). This sequence change creates a premature translational stop signal (p.Ser4830Glnfs*54) in the USH2A gene. It is expected to result in an absent or disrupted protein product. Loss-of-function variants in USH2A are known to be pathogenic (PMID: 10729113, 10909849, 20507924, 25649381).

Literature cited by the submitters: PubMed 10729113; PubMed 10909849; PubMed 20507924; PubMed 25649381.